The following is an entry in ClinVar:

NM_001099403.2(PRDM8):c.1177G>A (p.Ala393Thr)

Gene: PRDM8 (PR/SET domain 8; plus strand). Cytogenetic location: 4q21.21.
Variant type: single nucleotide variant.
Coding change: c.1177G>A on transcript NM_001099403.2 (MANE Select); coding-DNA position 1177, G replaced by A.
Protein change: p.Ala393Thr; replaces alanine 393 with threonine.
Molecular consequence: missense variant.
Genome position (GRCh38, 1-based): chr4:80,202,639, G>A. VCF-style: chr4-80202639-G-A. GRCh37 (hg19) VCF-style: chr4-81123793-G-A.
Other names: c.1177G>A, p.Ala393Thr (NM_020226.4); short protein forms A393T.
Identifiers: ClinVar variation 2095002 (VCV002095002.4), dbSNP rs2475915170, ClinGen allele CA357399111.

ClinVar aggregate classification (germline): Uncertain significance (1 of 4 stars; one submission).

Conditions:
Early-onset Lafora body disease. Also called: Epilepsy, progressive myoclonic, 10. Identifiers: Orphanet 324290, MedGen C4225258, MONDO:0014717, OMIM 616640.

Allele frequency attached by ClinVar (database versions not stated): gnomAD exomes below 0.00001.
gnomAD v4.1: 1 of 1,511,806 alleles (0.000066%); highest among the groups gnomAD compares: Non-Finnish European, 0.000088%; no homozygotes.

Submission:

Labcorp Genetics (formerly Invitae), Labcorp
Classification: Uncertain significance for Early-onset Lafora body disease. Last evaluated: 2022-03-04. Review status: criteria provided, single submitter. Criteria: Invitae Variant Classification Sherloc (09022015). Collection method: clinical testing. Allele origin: germline.
Comment: This sequence change replaces alanine, which is neutral and non-polar, with threonine, which is neutral and polar, at codon 393 of the PRDM8 protein (p.Ala393Thr). This variant is not present in population databases (gnomAD no frequency). This variant has not been reported in the literature in individuals affected with PRDM8-related conditions. Algorithms developed to predict the effect of missense changes on protein structure and function output the following: SIFT: "Tolerated"; PolyPhen-2: "Benign"; Align-GVGD: "Class C0". The threonine amino acid residue is found in multiple mammalian species, which suggests that this missense change does not adversely affect protein function. In summary, the available evidence is currently insufficient to determine the role of this variant in disease. Therefore, it has been classified as a Variant of Uncertain Significance.